The following is an entry in ClinVar:

ClinVar aggregate classification (germline): Uncertain significance (1 of 4 stars; one submission).

Conditions:
Hereditary spastic paraplegia 49 (HSAN9). Also called: TECPR2-Related Hereditary Sensory and Autonomic Neuropathy with Intellectual Disability; Spastic paraplegia 49, autosomal recessive; NEUROPATHY, HEREDITARY SENSORY AND AUTONOMIC, TYPE IX, WITH DEVELOPMENTAL DELAY. Identifiers: Orphanet 320385, MedGen C5190860, MONDO:0014016, OMIM 615031.

Submission:

Labcorp Genetics (formerly Invitae), Labcorp
Classification: Uncertain significance for Hereditary spastic paraplegia 49. Last evaluated: 2016-08-30. Review status: criteria provided, single submitter. Criteria: Invitae Variant Classification Sherloc (09022015). Collection method: clinical testing. Allele origin: germline.
Comment: This variant is a gross duplication of the genomic region encompassing exons 8-20 of the TECPR2 gene. The 5' boundary is likely confined to intron 7. The 3' end of this event is unknown as it extends beyond the assayed region for this gene and therefore may encompass additional genes. This variant has not been reported in the literature in individuals with a TECPR2-related disease. In summary, the genomic location of this duplication is unknown and the impact of this variant on TECPR2 protein function has not been established. Therefore, it has been classified as a Variant of Uncertain Significance.

NC_000014.8:g.(?_102898133)_(102968818_?)dup

Genes: ANKRD9 (ankyrin repeat domain 9; minus strand), TECPR2 (tectonin beta-propeller repeat containing 2; plus strand), LOC130056519 (ATAC-STARR-seq lymphoblastoid silent region 6116; plus strand). Cytogenetic location: 14q32.31.
Variant type: Duplication.
Identifiers: ClinVar variation 417452 (VCV000417452.1).